The following is an entry in ClinVar:

ClinVar aggregate classification (germline): Uncertain significance (1 of 4 stars; one submission).

gnomAD v4.1: 1 of 1,614,196 alleles (0.000062%); highest among the groups gnomAD compares: Admixed American, 0.0017%; no homozygotes.

Submission:

Labcorp Genetics (formerly Invitae), Labcorp
Classification: Uncertain significance. Last evaluated: 2025-09-26. Review status: criteria provided, single submitter. Criteria: Invitae Variant Classification Sherloc (09022015). Collection method: clinical testing. Allele origin: germline.
Comment: This sequence change replaces methionine, which is neutral and non-polar, with valine, which is neutral and non-polar, at codon 448 of the KANK1 protein (p.Met448Val). This variant is present in population databases (no rsID available, gnomAD 0.003%). This variant has not been reported in the literature in individuals affected with KANK1-related conditions. Invitae Evidence Modeling of protein sequence and biophysical properties (such as structural, functional, and spatial information, amino acid conservation, physicochemical variation, residue mobility, and thermodynamic stability) indicates that this missense variant is not expected to disrupt KANK1 protein function with a negative predictive value of 80%. In summary, the available evidence is currently insufficient to determine the role of this variant in disease. Therefore, it has been classified as a Variant of Uncertain Significance.

NM_015158.5(KANK1):c.1342A>G (p.Met448Val)

Gene: KANK1 (KN motif and ankyrin repeat domains 1; plus strand). Cytogenetic location: 9p24.3.
Variant type: single nucleotide variant.
Coding change: c.1342A>G on transcript NM_015158.5 (MANE Select); coding-DNA position 1342, A replaced by G.
Protein change: p.Met448Val; replaces methionine 448 with valine.
Molecular consequence: missense variant. On other transcripts: non-coding transcript variant (1).
Genome position (GRCh38, 1-based): chr9:712,108, A>G. VCF-style: chr9-712108-A-G. GRCh37 (hg19) VCF-style: chr9-712108-A-G.
Other names: c.1342A>G, p.Met448Val (NM_001438412.1, NM_001256876.3, NM_001256877.3 and 3 more transcripts); c.868A>G, p.Met290Val (NM_153186.6, NM_001354333.2, NM_001354335.2 and 10 more transcripts); short protein forms M448V, M290V.
Identifiers: ClinVar variation 4761658 (VCV004761658.1).